The following is an entry in ClinVar:

NM_000179.3(MSH6):c.3683C>T (p.Ala1228Val)

Gene: MSH6 (mutS homolog 6; plus strand). Cytogenetic location: 2p16.3.
Variant type: single nucleotide variant.
Coding change: c.3683C>T on transcript NM_000179.3 (MANE Select); coding-DNA position 3683, C replaced by T.
Protein change: p.Ala1228Val; replaces alanine 1228 with valine.
Molecular consequence: missense variant.
Genome position (GRCh38, 1-based): chr2:47,806,240, C>T. VCF-style: chr2-47806240-C-T. GRCh37 (hg19) VCF-style: chr2-48033379-C-T.
Other names: c.3293C>T, p.Ala1098Val (NM_001281492.2); c.2777C>T, p.Ala926Val (NM_001281493.2, NM_001281494.2); short protein forms A926V, A1098V, A1228V.
Identifiers: ClinVar variation 1462508 (VCV001462508.8), dbSNP rs2104538706, ClinGen allele CA346760916.

ClinVar aggregate classification (germline): Uncertain significance (1 of 4 stars; one submission).

Conditions:
Hereditary nonpolyposis colorectal neoplasms. Identifiers: MedGen C0009405, MeSH D003123.

Submission:

Labcorp Genetics (formerly Invitae), Labcorp
Classification: Uncertain significance for Hereditary nonpolyposis colorectal neoplasms. Last evaluated: 2024-08-08. Review status: criteria provided, single submitter. Criteria: Invitae Variant Classification Sherloc (09022015). Collection method: clinical testing. Allele origin: germline.
Comment: This sequence change replaces alanine, which is neutral and non-polar, with valine, which is neutral and non-polar, at codon 1228 of the MSH6 protein (p.Ala1228Val). This variant is not present in population databases (gnomAD no frequency). This variant has not been reported in the literature in individuals affected with MSH6-related conditions. ClinVar contains an entry for this variant (Variation ID: 1462508). Advanced modeling of protein sequence and biophysical properties (such as structural, functional, and spatial information, amino acid conservation, physicochemical variation, residue mobility, and thermodynamic stability) has been performed at Invitae for this missense variant, however the output from this modeling did not meet the statistical confidence thresholds required to predict the impact of this variant on MSH6 protein function. In summary, the available evidence is currently insufficient to determine the role of this variant in disease. Therefore, it has been classified as a Variant of Uncertain Significance.